The following is an entry in ClinVar:

NM_000133.4(F9):c.982_985dup (p.Ser329fs)

Gene: F9 (coagulation factor IX; plus strand). Cytogenetic location: Xq27.1.
Variant type: Duplication.
Coding change: c.982_985dup on transcript NM_000133.4 (MANE Select); coding-DNA positions 982 to 985, 4 bases duplicated (AACA; older notation c.982_985dupAACA).
Protein change: p.Ser329fs; shifts the reading frame from serine 329.
Molecular consequence: frameshift variant.
Genome position (GRCh38, 1-based): chrX:139,561,667-139,561,670, AACA duplicated; duplicating any 4 consecutive bases within chrX:139,561,666-139,561,670 gives the same sequence; the c. name uses the placement nearest the transcript's 3' end. VCF-style (leftmost placement, unchanged base first): chrX-139561665-T-TAAAC. GRCh37 (hg19) VCF-style: chrX-138643824-T-TAAAC.
Other names: c.868_871dup, p.Ser291fs (NM_001313913.2); short protein forms S291fs, S329fs.
Identifiers: ClinVar variation 4853807 (VCV004853807.1).

ClinVar aggregate classification (germline): Likely pathogenic (1 of 4 stars; one submission).

Conditions:
Bleeding and platelet disorders.

Submission:

North West Genomic Laboratory Hub, Manchester University NHS Foundation Trust
Classification: Likely pathogenic for Bleeding and platelet disorders. Last evaluated: 2024-03-22. Review status: criteria provided, single submitter. Criteria: ACGS Best Practice Guidelines for Variant Classification in Rare Disease 2020. Collection method: clinical testing. Allele origin: germline. Affected: yes.
Comment: PS4_Supp PM2_Mod PVS1_Str